The following is an entry in ClinVar:

ClinVar aggregate classification (germline): Uncertain significance. Review status: criteria provided, multiple submitters, no conflicts (2 of 4 stars). 6 submissions from 6 submitters: Uncertain significance (6). Last evaluated 2025-07-17.

Conditions:
Hereditary cancer-predisposing syndrome. Also called: Hereditary neoplastic syndrome; Hereditary Cancer Syndrome; Neoplastic Syndromes, Hereditary; Tumor predisposition. Identifiers: Orphanet 140162, MedGen C0027672, MeSH D009386, MONDO:0015356.
Breast-ovarian cancer, familial, susceptibility to, 2 (BROVCA2). Also called: BRCA2 Hereditary Breast and Ovarian Cancer. Identifiers: Orphanet 145, MedGen C2675520, MONDO:0012933, OMIM 612555. Disease mechanism: loss of function.
Hereditary breast ovarian cancer syndrome. Also called: Hereditary breast and ovarian cancer syndrome; BRCA1- and BRCA2-Associated Hereditary Breast and Ovarian Cancer; Hereditary breast and/or ovarian cancer syndrome; Hereditary breast and ovarian cancer; Breast and ovarian cancer; Hereditary breast and ovarian cancer syndrome (HBOC). Identifiers: Orphanet 145, MedGen C0677776, MeSH D061325, MONDO:0003582. Disease mechanism: loss of function.

Submissions (6):

Ambry Genetics
Classification: Uncertain significance for Hereditary cancer-predisposing syndrome. Last evaluated: 2025-07-17. Review status: criteria provided, single submitter. Criteria: Ambry Variant Classification Scheme 2023. Collection method: clinical testing. Allele origin: germline.
Comment: The c.5272_5286del15 variant (also known as p.N1758_Y1762del) is located in coding exon 10 of the BRCA2 gene. This variant results from an in-frame AATGATTCAGGATAT deletion at nucleotide positions 5272 to 5286. This results in the in-frame deletion of five amino acids at codons 1758 to 1762. This amino acid region is not well conserved in available vertebrate species. In addition, this variant is predicted to be deleterious by in silico analysis (Choi Y et al. PLoS ONE. 2012; 7(10):e46688). Based on the available evidence, the clinical significance of this variant remains unclear.

Labcorp Genetics (formerly Invitae), Labcorp
Classification: Uncertain significance for Hereditary breast ovarian cancer syndrome. Last evaluated: 2024-05-29. Review status: criteria provided, single submitter. Criteria: Invitae Variant Classification Sherloc (09022015). Collection method: clinical testing. Allele origin: germline.
Comment: This variant, c.5272_5286del, results in the deletion of 5 amino acid(s) of the BRCA2 protein (p.Asn1758_Tyr1762del), but otherwise preserves the integrity of the reading frame. This variant is present in population databases (rs758071261, gnomAD 0.007%). This variant has not been reported in the literature in individuals affected with BRCA2-related conditions. ClinVar contains an entry for this variant (Variation ID: 419860). Experimental studies and prediction algorithms are not available or were not evaluated, and the functional significance of this variant is currently unknown. In summary, the available evidence is currently insufficient to determine the role of this variant in disease. Therefore, it has been classified as a Variant of Uncertain Significance.

Quest Diagnostics Nichols Institute San Juan Capistrano
Classification: Uncertain significance. Last evaluated: 2024-03-15. Review status: criteria provided, single submitter. Criteria: Quest Diagnostics criteria. Collection method: clinical testing. Allele origin: unknown.
Comment: The BRCA2 c.5272_5286del (p.Asn1758_Tyr1762del) variant has not been reported in individuals with BRCA2-related conditions in the published literature. The frequency of this variant in the general population, 0.000004 (1/250332 chromosomes (Genome Aggregation Database)), is uninformative in the assessment of its pathogenicity. Based on the available information, we are unable to determine the clinical significance of this variant.

All of Us Research Program, National Institutes of Health
Classification: Uncertain significance for Breast-ovarian cancer, familial, susceptibility to, 2. Last evaluated: 2023-05-31. Review status: criteria provided, single submitter. Criteria: ACMG Guidelines, 2015. Collection method: clinical testing. Allele origin: germline. Inheritance: Autosomal dominant inheritance. Observed: 2 variant alleles, 2 heterozygotes.
Comment: This study involves interpretation of variants in research participants for the purpose of population health screening. Participant phenotype was not available at the time of variant classification. Additional details can be found in publication PMID: 35346344, PMCID: PMC8962531

Women's Health and Genetics/Laboratory Corporation of America, LabCorp
Classification: Uncertain significance. Last evaluated: 2021-08-01. Review status: criteria provided, single submitter. Criteria: LabCorp Variant Classification Summary - May 2015. Collection method: clinical testing. Allele origin: germline.
Comment: Variant summary: BRCA2 c.5272_5286del15 (p.Asn1758_Tyr1762del) results in an in-frame deletion that is predicted to remove five amino acids from the encoded protein. The variant allele was found at a frequency of 4e-06 in 250332 control chromosomes. The available data on variant occurrences in the general population are insufficient to allow any conclusion about variant significance. To our knowledge, no occurrence of c.5272_5286del15 in individuals affected with Hereditary Breast And Ovarian Cancer Syndrome and no experimental evidence demonstrating its impact on protein function have been reported. Two clinical diagnostic laboratories have submitted clinical-significance assessments for this variant to ClinVar after 2014 without evidence for independent evaluation. All laboratories classified the variant as uncertain significance. Based on the evidence outlined above, the variant was classified as uncertain significance.

GeneDx
Classification: Uncertain significance. Last evaluated: 2018-05-04. Review status: criteria provided, single submitter. Criteria: GeneDx Variant Classification (06012015). Collection method: clinical testing. Allele origin: germline. Affected: yes.
Comment: This in-frame deletion of 15 nucleotides in BRCA2 is denoted c.5272_5286del15 at the cDNA level and p.Asn1758_Tyr1762del (N1758_Y1762del) at the protein level. The normal sequence, with the bases that are deleted in brackets, is ATAT[del15]CTCT. This variant has not, to our knowledge, been published in the literature as pathogenic or benign. This variant was not observed at a significant allele frequency in large population cohorts (Lek 2016). This deletion is located in within the RAD51 and POLH binding domains (Roy 2012, Buisson 2014). In-silico analysis, which includes protein predictors and evolutionary conservation, supports a deleterious effect.? However, in the absence of RNA or functional studies, the actual effect of this variant is unknown. Since in-frame deletions may or may not inhibit proper protein functioning, the clinical significance of this finding remains unclear at this time and we consider BRCA2 Asn1758_Tyr1762del to be a variant of uncertain significance.

NM_000059.4(BRCA2):c.5272_5286del (p.Asn1758_Tyr1762del)

Gene: BRCA2 (BRCA2 DNA repair associated; plus strand). Cytogenetic location: 13q13.1.
Variant type: Deletion.
Coding change: c.5272_5286del on transcript NM_000059.4 (MANE Select); coding-DNA positions 5272 to 5286, 15 bases deleted (AATGATTCAGGATAT).
Protein change: p.Asn1758_Tyr1762del.
Molecular consequence: inframe deletion.
Genome position (GRCh38, 1-based): chr13:32,339,627-32,339,641, AATGATTCAGGATAT deleted; deleting any 15 consecutive bases within chr13:32,339,623-32,339,641 gives the same sequence; the c. name uses the placement nearest the transcript's 3' end. VCF-style (leftmost placement, unchanged base first): chr13-32339622-TATATAATGATTCAGG-T. GRCh37 (hg19) VCF-style: chr13-32913759-TATATAATGATTCAGG-T.
Other names: c.5272_5286delAATGATTCAGGATAT (NM_000059.3); c.5272_5286del15 (NM_000059.3).
Identifiers: ClinVar variation 419860 (VCV000419860.15), dbSNP rs758071261, ClinGen allele CA6940862.